The following is an entry in ClinVar:

NM_052845.4(MMAB):c.256G>A (p.Val86Met)

Gene: MMAB (metabolism of cobalamin associated B; minus strand). Cytogenetic location: 12q24.11.
Variant type: single nucleotide variant.
Coding change: c.256G>A on transcript NM_052845.4 (MANE Select); coding-DNA position 256, G replaced by A.
Protein change: p.Val86Met; replaces valine 86 with methionine.
Molecular consequence: missense variant. On other transcripts: non-coding transcript variant (1).
Genome position (GRCh38, 1-based): chr12:109,568,804, C>T on the plus strand (G>A on the coding strand, the complement: MMAB is on the minus strand). VCF-style: chr12-109568804-C-T. GRCh37 (hg19) VCF-style: chr12-110006609-C-T.
Other names: short protein forms V86M.
Identifiers: ClinVar variation 840395 (VCV000840395.10), dbSNP rs143935056, ClinGen allele CA6778998.
Genomic context (GRCh38, chr12:109,568,804, plus strand): 5'-CTCAAGGCCAATCCTGTCCCCCTTACCCAATAGCTGAACTTAATTCATCTGTAGTTCCCA[C>T]GGCTTCAAACACTTGGTCATCTTTGGGTCTCCTTTCTCCTGTGAAGGTACTAGAAAACCC-3'
Protein context (NP_443077.1, residues 76-96): RPKDDQVFEA[Val86Met]GTTDELSSAI

ClinVar aggregate classification (germline): Uncertain significance. Review status: criteria provided, single submitter (1 of 4 stars). 2 submissions from 2 submitters: Uncertain significance (1). 1 of the submissions does not count toward it. Last evaluated 2021-08-27.

Conditions:
Methylmalonic aciduria, cblB type (MACB). Also called: METHYLMALONIC ACIDURIA, VITAMIN B12-RESPONSIVE, DUE TO DEFECT IN SYNTHESIS OF ADENOSYLCOBALAMIN, cblB TYPE; Methylmalonic acidemia cblB type; Vitamin B12-responsive methylmalonic acidemia type cblB. Identifiers: Orphanet 28, Orphanet 79311, MedGen C1855102, MONDO:0009614, OMIM 251110.

Allele frequency attached by ClinVar (database versions not stated): ExAC 0.00002; gnomAD exomes 0.00003 and 0.00004; TOPMed 0.00007; gnomAD 0.00006 and 0.00007; ESP Exome Variant Server 0.00008.
gnomAD v4.1: 74 of 1,614,028 alleles (0.0046%); highest among the groups gnomAD compares: Non-Finnish European, 0.0058%; no homozygotes.

Submissions (2):

Labcorp Genetics (formerly Invitae), Labcorp
Classification: Uncertain significance for Methylmalonic aciduria, cblB type. Last evaluated: 2021-08-27. Review status: criteria provided, single submitter. Criteria: Invitae Variant Classification Sherloc (09022015). Collection method: clinical testing. Allele origin: germline.
Comment: This sequence change replaces valine with methionine at codon 86 of the MMAB protein (p.Val86Met). The valine residue is weakly conserved and there is a small physicochemical difference between valine and methionine. This variant is present in population databases (rs143935056, ExAC 0.01%). This variant has not been reported in the literature in individuals affected with MMAB-related conditions. Algorithms developed to predict the effect of missense changes on protein structure and function output the following: SIFT: "Deleterious"; PolyPhen-2: "Benign"; Align-GVGD: "Class C0". The methionine amino acid residue is found in multiple mammalian species, which suggests that this missense change does not adversely affect protein function. In summary, the available evidence is currently insufficient to determine the role of this variant in disease. Therefore, it has been classified as a Variant of Uncertain Significance.

Natera, Inc.
Classification: Uncertain significance for Methylmalonic aciduria cblB type. Last evaluated: 2020-03-10. Review status: no assertion criteria provided. Collection method: clinical testing. Allele origin: germline. Not counted in ClinVar's aggregate classification.